The following is an entry in ClinVar:

ClinVar aggregate classification (germline): Benign (0 of 4 stars; one submission).

Conditions:
PNPLA5-related disorder. Also called: PNPLA5-related condition.

Allele frequency attached by ClinVar (database versions not stated): ExAC 0.01742; gnomAD exomes 0.01871; 1000 Genomes Project 30x 0.02389; 1000 Genomes Project 0.02436; gnomAD 0.02760; TOPMed 0.02828; ESP Exome Variant Server 0.02929.
gnomAD v4.1: 31,524 of 1,614,042 alleles (2%); highest among the groups gnomAD compares: African/African-American, 5.7%; 437 homozygotes.

Submission:

PreventionGenetics, part of Exact Sciences
Classification: Benign for PNPLA5-related condition. Last evaluated: 2019-03-14. Review status: no assertion criteria provided. Collection method: clinical testing. Allele origin: germline.
Comment: This variant is classified as benign based on ACMG/AMP sequence variant interpretation guidelines (Richards et al. 2015 PMID: 25741868, with internal and published modifications).

NM_138814.4(PNPLA5):c.653C>T (p.Thr218Ile)

Gene: PNPLA5 (patatin like domain 5, triacylglycerol lipase; minus strand). Cytogenetic location: 22q13.31.
Variant type: single nucleotide variant.
Coding change: c.653C>T on transcript NM_138814.4 (MANE Select); coding-DNA position 653, C replaced by T.
Protein change: p.Thr218Ile; replaces threonine 218 with isoleucine.
Molecular consequence: missense variant.
Genome position (GRCh38, 1-based): chr22:43,889,378, G>A on the plus strand (C>T on the coding strand, the complement: PNPLA5 is on the minus strand). VCF-style: chr22-43889378-G-A. GRCh37 (hg19) VCF-style: chr22-44285258-G-A.
Other names: c.311C>T, p.Thr104Ile (NM_001177675.2); c.233C>T, p.Thr78Ile (NM_001371410.1); short protein forms T104I, T218I, T78I.
Identifiers: ClinVar variation 3038114 (VCV003038114.2), dbSNP rs62621223, ClinGen allele CA10277540.